The following is an entry in ClinVar:

NM_001349.4(DARS1):c.112C>T (p.Gln38Ter)

Gene: DARS1 (aspartyl-tRNA synthetase 1; minus strand). Cytogenetic location: 2q21.3.
Variant type: single nucleotide variant.
Coding change: c.112C>T on transcript NM_001349.4 (MANE Select); coding-DNA position 112, C replaced by T.
Protein change: p.Gln38Ter; replaces glutamine 38 with a stop codon.
Molecular consequence: nonsense. On other transcripts: intron variant (1).
Genome position (GRCh38, 1-based): chr2:135,983,409, G>A on the plus strand (C>T on the coding strand, the complement: DARS1 is on the minus strand). VCF-style: chr2-135983409-G-A. GRCh37 (hg19) VCF-style: chr2-136740979-G-A.
Other names: c.-177+1994C>T (NM_001293312.1); short protein forms Q38*.
Identifiers: ClinVar variation 1932686 (VCV001932686.2), dbSNP rs376815419, ClinGen allele CA1889947.
Genomic context (GRCh38, chr2:135,983,409, plus strand): 5'-GGAATTAGAAAGCAAAAAAGCTTTATTTACTGTCACATAGCTACTAACCTGGTTTTTCTT[G>A]TGATTGTATCATTGAAGATATTCCATATCTCTCTTTAGCATAATCCTACAAAAAAAGTTT-3'

ClinVar aggregate classification (germline): Uncertain significance (1 of 4 stars; one submission).

Allele frequency attached by ClinVar (database versions not stated): ExAC 0.00001; gnomAD 0.00002; TOPMed 0.00002; ESP Exome Variant Server 0.00008.

Submission:

Labcorp Genetics (formerly Invitae), Labcorp
Classification: Uncertain significance. Last evaluated: 2022-04-29. Review status: criteria provided, single submitter. Criteria: Invitae Variant Classification Sherloc (09022015). Collection method: clinical testing. Allele origin: germline.
Comment: This sequence change creates a premature translational stop signal (p.Gln38*) in the DARS gene. It is expected to result in an absent or disrupted protein product. However, the current clinical and genetic evidence is not sufficient to establish whether loss-of-function variants in DARS cause disease. The frequency data for this variant in the population databases is considered unreliable, as metrics indicate poor data quality at this position in the gnomAD database. This variant has not been reported in the literature in individuals affected with DARS-related conditions. In summary, the available evidence is currently insufficient to determine the role of this variant in disease. Therefore, it has been classified as a Variant of Uncertain Significance.